The following is an entry in ClinVar:

ClinVar aggregate classification (germline): Uncertain significance. Review status: criteria provided, multiple submitters, no conflicts (2 of 4 stars). 3 submissions from 3 submitters: Uncertain significance (3). Last evaluated 2024-03-03.

Conditions:
Familial cancer of breast. Also called: BREAST CANCER, FAMILIAL; Hereditary breast cancer; hereditary breast carcinoma. Identifiers: Orphanet 227535, MedGen C0346153, MONDO:0016419, OMIM 114480. Disease mechanism: loss of function.
Fanconi anemia complementation group J. Also called: BRIP1-Related Fanconi Anemia. Identifiers: Orphanet 84, MedGen C1836860, MONDO:0012187, OMIM 609054.
Hereditary cancer-predisposing syndrome. Also called: Tumor predisposition; Neoplastic Syndromes, Hereditary; Hereditary Cancer Syndrome; Hereditary neoplastic syndrome. Identifiers: Orphanet 140162, MedGen C0027672, MeSH D009386, MONDO:0015356.

Submissions (3):

Labcorp Genetics (formerly Invitae), Labcorp
Classification: Uncertain significance for Familial cancer of breast; Fanconi anemia complementation group J. Last evaluated: 2024-03-03. Review status: criteria provided, single submitter. Criteria: Invitae Variant Classification Sherloc (09022015). Collection method: clinical testing. Allele origin: germline.
Comment: This sequence change replaces glycine, which is neutral and non-polar, with serine, which is neutral and polar, at codon 654 of the BRIP1 protein (p.Gly654Ser). This variant is not present in population databases (gnomAD no frequency). This variant has not been reported in the literature in individuals affected with BRIP1-related conditions. ClinVar contains an entry for this variant (Variation ID: 628106). Advanced modeling of protein sequence and biophysical properties (such as structural, functional, and spatial information, amino acid conservation, physicochemical variation, residue mobility, and thermodynamic stability) performed at Invitae indicates that this missense variant is expected to disrupt BRIP1 protein function with a positive predictive value of 80%. In summary, the available evidence is currently insufficient to determine the role of this variant in disease. Therefore, it has been classified as a Variant of Uncertain Significance.

Ambry Genetics
Classification: Uncertain significance for Hereditary cancer-predisposing syndrome. Last evaluated: 2023-12-15. Review status: criteria provided, single submitter. Criteria: Ambry Variant Classification Scheme 2023. Collection method: clinical testing. Allele origin: germline.
Comment: The p.G654S variant (also known as c.1960G>A), located in coding exon 13 of the BRIP1 gene, results from a G to A substitution at nucleotide position 1960. The glycine at codon 654 is replaced by serine, an amino acid with similar properties. This amino acid position is conserved. In addition, this alteration is predicted to be deleterious by in silico analysis. Since supporting evidence is limited at this time, the clinical significance of this alteration remains unclear.

Color Diagnostics, LLC DBA Color Health
Classification: Uncertain significance for Hereditary cancer-predisposing syndrome. Last evaluated: 2023-12-05. Review status: criteria provided, single submitter. Criteria: ACMG Guidelines, 2015. Collection method: clinical testing. Allele origin: germline.
Comment: This missense variant replaces glycine with serine at codon 654 of the BRIP1 protein. Computational prediction is inconclusive regarding the impact of this variant on protein structure and function (internally defined REVEL score threshold 0.5 < inconclusive < 0.7, PMID: 27666373). To our knowledge, functional studies have not been reported for this variant. This variant has not been reported in individuals affected with BRIP1-related disorders in the literature. This variant has not been identified in the general population by the Genome Aggregation Database (gnomAD). The available evidence is insufficient to determine the role of this variant in disease conclusively. Therefore, this variant is classified as a Variant of Uncertain Significance.

NM_032043.3(BRIP1):c.1960G>A (p.Gly654Ser)

Gene: BRIP1 (BRCA1 interacting DNA helicase 1; minus strand). Cytogenetic location: 17q23.2.
Variant type: single nucleotide variant.
Coding change: c.1960G>A on transcript NM_032043.3 (MANE Select); coding-DNA position 1960, G replaced by A.
Protein change: p.Gly654Ser; replaces glycine 654 with serine.
Molecular consequence: missense variant.
Genome position (GRCh38, 1-based): chr17:61,776,538, C>T on the plus strand (G>A on the coding strand, the complement: BRIP1 is on the minus strand). VCF-style: chr17-61776538-C-T. GRCh37 (hg19) VCF-style: chr17-59853899-C-T.
Other names: short protein forms G654S.
Identifiers: ClinVar variation 628106 (VCV000628106.9), dbSNP rs1567809053, ClinGen allele CA400478566.